The following is an entry in ClinVar:

ClinVar aggregate classification (germline): Uncertain significance. Review status: criteria provided, multiple submitters, no conflicts (2 of 4 stars). 2 submissions from 2 submitters: Uncertain significance (2). Last evaluated 2024-11-11.

Allele frequency attached by ClinVar (database versions not stated): ExAC 0.00072; gnomAD 0.00079; TOPMed 0.00089; ESP Exome Variant Server 0.00131; gnomAD exomes 0.00178.

Submissions (3):

Blueprint Genetics
Classification: Uncertain significance. Last evaluated: 2024-11-11. Review status: criteria provided, single submitter. Criteria: ACMG Guidelines, 2015. Collection method: clinical testing. Allele origin: germline.

Greenwood Genetic Center Diagnostic Laboratories, Greenwood Genetic Center
Classification: Uncertain significance. Last evaluated: 2022-05-20. Review status: criteria provided, single submitter. Criteria: ACMG Guidelines, 2015. Collection method: clinical testing. Allele origin: germline. Affected: yes.
Comment: Gene of Uncertain Significance

Dr. Peter K. Rogan Lab, Western University
No classification provided (evidence only). Condition: Familial cancer of breast. Review status: no classification provided. Collection method: in vitro. Allele origin: not applicable. Functional consequence: retained intron. Not counted in ClinVar's aggregate classification.

NM_004769.4(ASIC3):c.235C>T (p.Arg79Ter)

Gene: ASIC3 (acid sensing ion channel subunit 3; plus strand). Cytogenetic location: 7q36.1.
Variant type: single nucleotide variant.
Coding change: c.235C>T on transcript NM_004769.4 (MANE Select); coding-DNA position 235, C replaced by T.
Protein change: p.Arg79Ter; replaces arginine 79 with a stop codon.
Molecular consequence: nonsense. On other transcripts: non-coding transcript variant (1).
Genome position (GRCh38, 1-based): chr7:151,049,120, C>T. VCF-style: chr7-151049120-C-T. GRCh37 (hg19) VCF-style: chr7-150746207-C-T.
Other names: NC_000007.13:g.150746207C>T; c.235C>T, p.Arg79Ter (NM_020321.3, NM_020322.3); short protein forms R79*.
Identifiers: ClinVar variation 1703060 (VCV001703060.5), dbSNP rs144223292, ClinGen allele CA4569726.